The following is an entry in ClinVar:

NM_005902.4(SMAD3):c.871+5G>A

Gene: SMAD3 (SMAD family member 3; plus strand). Cytogenetic location: 15q22.33.
Variant type: single nucleotide variant.
Coding change: c.871+5G>A on transcript NM_005902.4 (MANE Select); 5 bases into the intron after coding-DNA position 871, G replaced by A.
Molecular consequence: intron variant.
Genome position (GRCh38, 1-based): chr15:67,181,458, G>A. VCF-style: chr15-67181458-G-A. GRCh37 (hg19) VCF-style: chr15-67473796-G-A.
Other names: c.556+5G>A (NM_001145102.2); c.739+5G>A (NM_001145103.2); c.286+5G>A (NM_001145104.2).
Identifiers: ClinVar variation 1172120 (VCV001172120.2), dbSNP rs1963055122, ClinGen allele CA2499223059.

ClinVar aggregate classification (germline): Uncertain significance (1 of 4 stars; one submission).

Conditions:
Familial thoracic aortic aneurysm and aortic dissection (TAAD). Also called: Thoracic aortic aneurysms and dissections. Identifiers: Orphanet 91387, MedGen C4707243, MONDO:0019625.

Submission:

Color Diagnostics, LLC DBA Color Health
Classification: Uncertain significance for Familial thoracic aortic aneurysm and aortic dissection. Last evaluated: 2020-11-10. Review status: criteria provided, single submitter. Criteria: ACMG Guidelines, 2015. Collection method: clinical testing. Allele origin: germline.
Comment: This variant causes a G to A nucleotide substitution at the +5 position of intron 6 of the SMAD3 gene. Splice site prediction tools predict that this variant may have a significant impact on RNA splicing. To our knowledge, functional studies have not been reported for this variant. This variant has not been reported in individuals affected with cardiovascular disorders in the literature. This variant has not been identified in the general population by the Genome Aggregation Database (gnomAD). The available evidence is insufficient to determine the role of this variant in disease conclusively. Therefore, this variant is classified as a Variant of Uncertain Significance.